The following is an entry in ClinVar:

ClinVar aggregate classification (germline): Uncertain significance. Review status: criteria provided, multiple submitters, no conflicts (2 of 4 stars). 2 submissions from 2 submitters: Uncertain significance (2). Last evaluated 2025-09-25.

Conditions:
Cardiovascular phenotype. Identifiers: MedGen CN230736.
Dilated cardiomyopathy 1DD (CMD1DD). Identifiers: Orphanet 154, MedGen C2750995, MONDO:0013168, OMIM 613172.

Allele frequency attached by ClinVar (database versions not stated): gnomAD 0.00001; gnomAD exomes 0.00001.
gnomAD v4.1: 9 of 1,551,792 alleles (0.00058%); highest among the groups gnomAD compares: Non-Finnish European, 0.0007%; no homozygotes.

Submissions (2):

Ambry Genetics
Classification: Uncertain significance for Cardiovascular phenotype. Last evaluated: 2025-09-25. Review status: criteria provided, single submitter. Criteria: Ambry Variant Classification Scheme 2023. Collection method: clinical testing. Allele origin: germline.
Comment: The p.P146S variant (also known as c.436C>T), located in coding exon 2 of the RBM20 gene, results from a C to T substitution at nucleotide position 436. The proline at codon 146 is replaced by serine, an amino acid with similar properties. This amino acid position is conserved. In addition, this alteration is predicted to be tolerated by in silico analysis. Based on the available evidence, the clinical significance of this variant remains unclear.

Labcorp Genetics (formerly Invitae), Labcorp
Classification: Uncertain significance for Dilated cardiomyopathy 1DD. Last evaluated: 2021-09-17. Review status: criteria provided, single submitter. Criteria: Invitae Variant Classification Sherloc (09022015). Collection method: clinical testing. Allele origin: germline.
Comment: This sequence change replaces proline with serine at codon 146 of the RBM20 protein (p.Pro146Ser). The proline residue is weakly conserved and there is a moderate physicochemical difference between proline and serine. This variant is not present in population databases (ExAC no frequency). This variant has not been reported in the literature in individuals with RBM20-related conditions. Algorithms developed to predict the effect of missense changes on protein structure and function are either unavailable or do not agree on the potential impact of this missense change (SIFT: "Not Available"; PolyPhen-2: "Benign"; Align-GVGD: "Class C0"). In summary, the available evidence is currently insufficient to determine the role of this variant in disease. Therefore, it has been classified as a Variant of Uncertain Significance.

NM_001134363.3(RBM20):c.436C>T (p.Pro146Ser)

Gene: RBM20 (RNA binding motif protein 20; plus strand). Cytogenetic location: 10q25.2.
Variant type: single nucleotide variant.
Coding change: c.436C>T on transcript NM_001134363.3 (MANE Select); coding-DNA position 436, C replaced by T.
Protein change: p.Pro146Ser; replaces proline 146 with serine.
Molecular consequence: missense variant.
Genome position (GRCh38, 1-based): chr10:110,781,045, C>T. VCF-style: chr10-110781045-C-T. GRCh37 (hg19) VCF-style: chr10-112540803-C-T.
Other names: short protein forms P146S.
Identifiers: ClinVar variation 2148743 (VCV002148743.2), dbSNP rs1844333249, ClinGen allele CA378380283.